The following is an entry in ClinVar:

NM_139057.4(ADAMTS17):c.167C>T (p.Ala56Val)

Gene: ADAMTS17 (ADAM metallopeptidase with thrombospondin type 1 motif 17; minus strand). Cytogenetic location: 15q26.3.
Variant type: single nucleotide variant.
Coding change: c.167C>T on transcript NM_139057.4 (MANE Select); coding-DNA position 167, C replaced by T.
Protein change: p.Ala56Val; replaces alanine 56 with valine.
Molecular consequence: missense variant.
Genome position (GRCh38, 1-based): chr15:100,341,322, G>A on the plus strand (C>T on the coding strand, the complement: ADAMTS17 is on the minus strand). VCF-style: chr15-100341322-G-A. GRCh37 (hg19) VCF-style: chr15-100881527-G-A.
Other names: short protein forms A56V.
Identifiers: ClinVar variation 4752611 (VCV004752611.1).

ClinVar aggregate classification (germline): Uncertain significance (1 of 4 stars; one submission).

gnomAD v4.1: 3 of 1,031,672 alleles (0.00029%); highest among the groups gnomAD compares: Non-Finnish European, 0.00023%; no homozygotes.

Submission:

Labcorp Genetics (formerly Invitae), Labcorp
Classification: Uncertain significance. Last evaluated: 2025-06-25. Review status: criteria provided, single submitter. Criteria: Invitae Variant Classification Sherloc (09022015). Collection method: clinical testing. Allele origin: germline.
Comment: This sequence change replaces alanine, which is neutral and non-polar, with valine, which is neutral and non-polar, at codon 56 of the ADAMTS17 protein (p.Ala56Val). This variant is present in population databases (no rsID available, gnomAD 0.01%). This variant has not been reported in the literature in individuals affected with ADAMTS17-related conditions. An algorithm developed to predict the effect of missense changes on protein structure and function outputs the following: PolyPhen-2: "Benign". The valine amino acid residue is found in multiple mammalian species, which suggests that this missense change does not adversely affect protein function. In summary, the available evidence is currently insufficient to determine the role of this variant in disease. Therefore, it has been classified as a Variant of Uncertain Significance.